The following is an entry in ClinVar:

ClinVar aggregate classification (germline): Uncertain significance (1 of 4 stars; one submission).

Submission:

Labcorp Genetics (formerly Invitae), Labcorp
Classification: Uncertain significance. Last evaluated: 2023-06-11. Review status: criteria provided, single submitter. Criteria: Invitae Variant Classification Sherloc (09022015). Collection method: clinical testing. Allele origin: germline.
Comment: In summary, the available evidence is currently insufficient to determine the role of this variant in disease. Therefore, it has been classified as a Variant of Uncertain Significance. Advanced modeling of protein sequence and biophysical properties (such as structural, functional, and spatial information, amino acid conservation, physicochemical variation, residue mobility, and thermodynamic stability) performed at Invitae indicates that this missense variant is not expected to disrupt ATP1A1 protein function. This variant has not been reported in the literature in individuals affected with ATP1A1-related conditions. This variant is not present in population databases (gnomAD no frequency). This sequence change replaces lysine, which is basic and polar, with glutamine, which is neutral and polar, at codon 605 of the ATP1A1 protein (p.Lys605Gln).

NM_000701.8(ATP1A1):c.1813A>C (p.Lys605Gln)

Genes: ATP1A1-AS1 (ATP1A1 antisense RNA 1; minus strand), ATP1A1 (ATPase Na+/K+ transporting subunit alpha 1; plus strand). Cytogenetic location: 1p13.1.
Variant type: single nucleotide variant.
Coding change: c.1813A>C on transcript NM_000701.8 (MANE Select); coding-DNA position 1813, A replaced by C.
Protein change: p.Lys605Gln; replaces lysine 605 with glutamine.
Molecular consequence: missense variant.
Genome position (GRCh38, 1-based): chr1:116,395,262, A>C. VCF-style: chr1-116395262-A-C. GRCh37 (hg19) VCF-style: chr1-116937884-A-C.
Other names: c.1813A>C, p.Lys605Gln (NM_001160233.2); c.1720A>C, p.Lys574Gln (NM_001160234.2); short protein forms K605Q, K574Q.
Identifiers: ClinVar variation 2711331 (VCV002711331.3), dbSNP rs2525861595, ClinGen allele CA341771664.